The following is an entry in ClinVar:

ClinVar aggregate classification (germline): Uncertain significance (1 of 4 stars; one submission).

Conditions:
Ehlers-Danlos syndrome, type 4 (EDSVASC). Also called: Ehlers-Danlos syndrome vascular type; Ehlers Danlos syndrome, ecchymotic type; Ehlers Danlos syndrome, arterial type; Ehlers Danlos syndrome, Sack-Barabas type; Ehlers-Danlos Syndrome Type IV. Identifiers: Orphanet 286, MedGen C0268338, MONDO:0017314, OMIM 130050.

Submission:

Labcorp Genetics (formerly Invitae), Labcorp
Classification: Uncertain significance for Ehlers-Danlos syndrome, type 4. Last evaluated: 2024-12-24. Review status: criteria provided, single submitter. Criteria: Invitae Variant Classification Sherloc (09022015). Collection method: clinical testing. Allele origin: germline.
Comment: This sequence change replaces valine, which is neutral and non-polar, with isoleucine, which is neutral and non-polar, at codon 54 of the COL3A1 protein (p.Val54Ile). This variant is not present in population databases (gnomAD no frequency). This variant has not been reported in the literature in individuals affected with COL3A1-related conditions. Invitae Evidence Modeling of protein sequence and biophysical properties (such as structural, functional, and spatial information, amino acid conservation, physicochemical variation, residue mobility, and thermodynamic stability) indicates that this missense variant is not expected to disrupt COL3A1 protein function with a negative predictive value of 95%. In summary, the available evidence is currently insufficient to determine the role of this variant in disease. Therefore, it has been classified as a Variant of Uncertain Significance.

NM_000090.4(COL3A1):c.160G>A (p.Val54Ile)

Gene: COL3A1 (collagen type III alpha 1 chain; plus strand). Cytogenetic location: 2q32.2.
Variant type: single nucleotide variant.
Coding change: c.160G>A on transcript NM_000090.4 (MANE Select); coding-DNA position 160, G replaced by A.
Protein change: p.Val54Ile; replaces valine 54 with isoleucine.
Molecular consequence: missense variant.
Genome position (GRCh38, 1-based): chr2:188,984,840, G>A. VCF-style: chr2-188984840-G-A. GRCh37 (hg19) VCF-style: chr2-189849566-G-A.
Other names: short protein forms V54I.
Identifiers: ClinVar variation 3634082 (VCV003634082.2).